The following is an entry in ClinVar:

ClinVar aggregate classification (germline): Conflicting classifications of pathogenicity. Review status: criteria provided, conflicting classifications (1 of 4 stars). 2 submissions from 2 submitters: Uncertain significance (1); Likely benign (1). Last evaluated 2024-07-15.

Conditions:
Episodic ataxia type 2 (EA2). Also called: ATAXIA, EPISODIC, WITH NYSTAGMUS; ATAXIA, FAMILIAL PAROXYSMAL; CEREBELLAR ATAXIA, PAROXYSMAL, ACETAZOLAMIDE-RESPONSIVE; CEREBELLOPATHY, HEREDITARY PAROXYSMAL; EPISODIC ATAXIA, NYSTAGMUS-ASSOCIATED; ACETAZOLAMIDE-RESPONSIVE HEREDITARY PAROXYSMAL CEREBELLAR ATAXIA. Identifiers: Orphanet 97, MedGen C1720416, MONDO:0007163, OMIM 108500.
Developmental and epileptic encephalopathy, 42 (DEE42A). Also called: DEVELOPMENTAL AND EPILEPTIC ENCEPHALOPATHY 42A; EPILEPTIC ENCEPHALOPATHY, EARLY INFANTILE, 42A; Epileptic encephalopathy, early infantile, 42. Identifiers: MedGen C4310716, MONDO:0014917, OMIM 617106.
Inborn genetic diseases. Identifiers: MedGen C0950123, MeSH D030342.

Allele frequency attached by ClinVar (database versions not stated): gnomAD exomes below 0.00001; ExAC 0.00001.
gnomAD v4.1: 6 of 1,613,962 alleles (0.00037%); highest among the groups gnomAD compares: South Asian, 0.0022%; no homozygotes.

Submissions (2):

Labcorp Genetics (formerly Invitae), Labcorp
Classification: Likely benign for Developmental and epileptic encephalopathy, 42; Episodic ataxia type 2. Last evaluated: 2024-07-15. Review status: criteria provided, single submitter. Criteria: Invitae Variant Classification Sherloc (09022015). Collection method: clinical testing. Allele origin: germline.

Ambry Genetics
Classification: Uncertain significance for Inborn genetic diseases. Last evaluated: 2017-11-02. Review status: criteria provided, single submitter. Criteria: Ambry Variant Classification Scheme 2023. Collection method: clinical testing. Allele origin: germline.
Comment: The p.N70S variant (also known as c.209A>G), located in coding exon 1 of the CACNA1A gene, results from an A to G substitution at nucleotide position 209. The asparagine at codon 70 is replaced by serine, an amino acid with highly similar properties. This amino acid position is well conserved in available vertebrate species. In addition, this alteration is predicted to be tolerated by in silico analysis. Since supporting evidence is limited at this time, the clinical significance of this alteration remains unclear.

NM_001127222.2(CACNA1A):c.209A>G (p.Asn70Ser)

Gene: CACNA1A (calcium voltage-gated channel subunit alpha1 A; minus strand). Cytogenetic location: 19p13.13.
Variant type: single nucleotide variant.
Coding change: c.209A>G on transcript NM_001127222.2 (MANE Select); coding-DNA position 209, A replaced by G.
Protein change: p.Asn70Ser; replaces asparagine 70 with serine.
Molecular consequence: missense variant.
Genome position (GRCh38, 1-based): chr19:13,506,016, T>C on the plus strand (A>G on the coding strand, the complement: CACNA1A is on the minus strand). VCF-style: chr19-13506016-T-C. GRCh37 (hg19) VCF-style: chr19-13616830-T-C.
Other names: c.209A>G, p.Asn70Ser (NM_000068.4, NM_001127221.2, NM_001174080.2 and 1 more transcripts); short protein forms N70S.
Identifiers: ClinVar variation 1362622 (VCV001362622.10), dbSNP rs749526415, ClinGen allele CA9241086.
Genomic context (GRCh38, chr19:13,506,016, plus strand): 5'-TATTTTCTCACCACGTTGTCTTCGCTGAAGAGGAAGAGAGACCGGTTAACCGTGAGGCAG[T>C]TCTGTCGGACGGGGATGGGGTTGTAGAGTGCCATGGTCCGCGCTCTCTGCGCCATTGACT-3'
Protein context (NP_001120694.1, residues 60-80): ALYNPIPVRQ[Asn70Ser]CLTVNRSLFL